The following is an entry in ClinVar:

NM_002004.4(FDPS):c.142C>T (p.Arg48Cys)

Gene: FDPS (farnesyl diphosphate synthase; plus strand). Cytogenetic location: 1q22.
Variant type: single nucleotide variant.
Coding change: c.142C>T on transcript NM_002004.4 (MANE Select); coding-DNA position 142, C replaced by T.
Protein change: p.Arg48Cys; replaces arginine 48 with cysteine.
Molecular consequence: missense variant. On other transcripts: intron variant (5).
Genome position (GRCh38, 1-based): chr1:155,309,931, C>T. VCF-style: chr1-155309931-C-T. GRCh37 (hg19) VCF-style: chr1-155279722-C-T.
Other names: c.142C>T, p.Arg48Cys (NM_001135821.2); c.-22-112C>T (NM_001378425.1, NM_001242824.2); c.-1-133C>T (NM_001378424.1, NM_001135822.2); c.-175+966C>T (NM_001242825.2); short protein forms R48C.
Identifiers: ClinVar variation 3042548 (VCV003042548.2), dbSNP rs35362111, ClinGen allele CA1144560.

ClinVar aggregate classification (germline): Benign (0 of 4 stars; one submission).

Conditions:
FDPS-related disorder. Also called: FDPS-related condition.

Allele frequency attached by ClinVar (database versions not stated): ExAC 0.00459; 1000 Genomes Project 0.00499; 1000 Genomes Project 30x 0.00578; gnomAD 0.00667; TOPMed 0.00720; ESP Exome Variant Server 0.00792.

Submission:

PreventionGenetics, part of Exact Sciences
Classification: Benign for FDPS-related condition. Last evaluated: 2019-09-24. Review status: no assertion criteria provided. Collection method: clinical testing. Allele origin: germline.
Comment: This variant is classified as benign based on ACMG/AMP sequence variant interpretation guidelines (Richards et al. 2015 PMID: 25741868, with internal and published modifications).